The following is an entry in ClinVar:

NM_001844.5(COL2A1):c.2989_2997del (p.Leu997_Gly999del)

Gene: COL2A1 (collagen type II alpha 1 chain; minus strand). Cytogenetic location: 12q13.11.
Variant type: Deletion.
Coding change: c.2989_2997del on transcript NM_001844.5 (MANE Select); coding-DNA positions 2989 to 2997, 9 bases deleted (TTGCCTGGC; older notation c.2989_2997delTTGCCTGGC).
Protein change: p.Leu997_Gly999del.
Molecular consequence: inframe deletion.
Genome position (GRCh38, 1-based): chr12:47,978,297-47,978,305, GCCAGGCAA deleted on the plus strand (TTGCCTGGC on the coding strand, the reverse complement: COL2A1 is on the minus strand); deleting any 9 consecutive bases within chr12:47,978,297-47,978,311 gives the same sequence; the c. name uses the placement nearest the transcript's 3' end. VCF-style (leftmost placement, unchanged base first): chr12-47978296-GGCCAGGCAA-G. GRCh37 (hg19) VCF-style: chr12-48372079-GGCCAGGCAA-G.
Other names: c.2782_2790del, p.Leu928_Gly930del (NM_033150.3).
Identifiers: ClinVar variation 1370186 (VCV001370186.6), dbSNP rs2136526235, ClinGen allele CA2573148633.

ClinVar aggregate classification (germline): Pathogenic (1 of 4 stars; one submission).

Submission:

Labcorp Genetics (formerly Invitae), Labcorp
Classification: Pathogenic. Last evaluated: 2024-02-24. Review status: criteria provided, single submitter. Criteria: Invitae Variant Classification Sherloc (09022015). Collection method: clinical testing. Allele origin: germline.
Comment: This variant, c.2989_2997del, results in the deletion of 3 amino acid(s) of the COL2A1 protein (p.Leu997_Gly999del), but otherwise preserves the integrity of the reading frame. This variant is not present in population databases (gnomAD no frequency). This variant has been observed in individual(s) with clinical features of autosomal dominant COL2A1 conditions (Invitae). In at least one individual the variant was observed to be de novo. ClinVar contains an entry for this variant (Variation ID: 1370186). This variant disrupts the triple helix domain of COL2A1. Glycine residues within the Gly-Xaa-Yaa repeats of the triple helix domain are required for the structure and stability of fibrillar collagens (PMID: 7695699, 8218237, 19344236). In COL2A1, variants affecting these glycine residues are significantly enriched in individuals with disease (PMID: 9016532, 17078022) compared to the general population (ExAC). For these reasons, this variant has been classified as Pathogenic.

Literature cited by the submitters: PubMed 7695699; PubMed 8218237; PubMed 19344236; PubMed 9016532; PubMed 17078022.